The following is an entry in ClinVar:

NM_032444.4(SLX4):c.951-1G>C

Gene: SLX4 (SLX4 structure-specific endonuclease subunit; minus strand). Cytogenetic location: 16p13.3.
Variant type: single nucleotide variant.
Coding change: c.951-1G>C on transcript NM_032444.4 (MANE Select); the canonical splice acceptor site of the intron before coding-DNA position 951, G replaced by C.
Molecular consequence: splice acceptor variant.
Genome position (GRCh38, 1-based): chr16:3,601,192, C>G on the plus strand (G>C on the coding strand, the complement: SLX4 is on the minus strand). VCF-style: chr16-3601192-C-G. GRCh37 (hg19) VCF-style: chr16-3651193-C-G.
Identifiers: ClinVar variation 2716076 (VCV002716076.3), dbSNP rs750371433, ClinGen allele CA7866668.

ClinVar aggregate classification (germline): Likely pathogenic (1 of 4 stars; one submission).

Conditions:
Fanconi anemia (FA). Also called: Fanconi's anemia. Identifiers: Orphanet 84, MedGen C0015625, MeSH D005199, MONDO:0019391.

Allele frequency attached by ClinVar (database versions not stated): ExAC 0.00001; gnomAD exomes 0.00001.
gnomAD v4.1: 3 of 1,614,024 alleles (0.00019%); highest among the groups gnomAD compares: Non-Finnish European, 0.00025%; no homozygotes.

Submission:

Labcorp Genetics (formerly Invitae), Labcorp
Classification: Likely pathogenic for Fanconi anemia. Last evaluated: 2023-05-15. Review status: criteria provided, single submitter. Criteria: Invitae Variant Classification Sherloc (09022015). Collection method: clinical testing. Allele origin: germline.
Comment: This sequence change affects an acceptor splice site in intron 4 of the SLX4 gene. It is expected to disrupt RNA splicing. Variants that disrupt the donor or acceptor splice site typically lead to a loss of protein function (PMID: 16199547), and loss-of-function variants in SLX4 are known to be pathogenic (PMID: 21240277). This variant is present in population databases (rs750371433, gnomAD 0.0009%). This variant has not been reported in the literature in individuals affected with SLX4-related conditions. Algorithms developed to predict the effect of sequence changes on RNA splicing suggest that this variant may disrupt the consensus splice site. In summary, the currently available evidence indicates that the variant is pathogenic, but additional data are needed to prove that conclusively. Therefore, this variant has been classified as Likely Pathogenic.

Literature cited by the submitters: PubMed 16199547; PubMed 21240277.